The following is an entry in ClinVar:

ClinVar aggregate classification (germline): Conflicting classifications of pathogenicity. Review status: criteria provided, conflicting classifications (1 of 4 stars). 4 submissions from 4 submitters: Likely pathogenic (1); Uncertain significance (3). Last evaluated 2025-09-24.

Conditions:
PDE6B-related disorder. Also called: PDE6B-related disorders; PDE6B-related disease; PDE6B-related condition.
Retinitis pigmentosa 40 (RP40). Identifiers: Orphanet 791, MedGen C3151107, MONDO:0013429, OMIM 613801.

Allele frequency attached by ClinVar (database versions not stated): TOPMed below 0.00001; gnomAD 0.00001.

Submissions (4):

PreventionGenetics, part of Exact Sciences
Classification: Uncertain significance for PDE6B-related condition. Last evaluated: 2025-09-24. Review status: criteria provided, single submitter. Criteria: ACMG Guidelines, 2015. Collection method: clinical testing. Allele origin: germline.
Comment: The PDE6B c.1243G>A variant is predicted to result in the amino acid substitution p.Glu415Lys. This variant has been reported in the homozygous state or along with a second PDE6B variant in individuals with retintis pigmentosa or retinal disease (Appendix 1 and 3, Tracewska et al. 2021. PubMed ID: 34321860; Table S1, Lin et al. 2024. PubMed ID: 38219857; Internal Data, PreventionGenetics). This variant is reported in 0.0023% of alleles in individuals of European (Non-Finnish) descent in gnomAD. Although we suspect that this variant may be pathogenic, at this time, the clinical significance of this variant is uncertain due to the absence of conclusive functional and genetic evidence.

Labcorp Genetics (formerly Invitae), Labcorp
Classification: Uncertain significance. Last evaluated: 2025-09-09. Review status: criteria provided, single submitter. Criteria: Invitae Variant Classification Sherloc (09022015). Collection method: clinical testing. Allele origin: germline.
Comment: This sequence change replaces glutamic acid, which is acidic and polar, with lysine, which is basic and polar, at codon 415 of the PDE6B protein (p.Glu415Lys). This variant is present in population databases (rs750599200, gnomAD 0.003%). This missense change has been observed in individual(s) with autosomal recessive retinitis pigmentosa and/or PDE6B-related conditions (PMID: 34321860, 38219857; internal data). In at least one individual the data is consistent with being in trans (on the opposite chromosome) from a pathogenic variant. ClinVar contains an entry for this variant (Variation ID: 1420900). Invitae Evidence Modeling of protein sequence and biophysical properties (such as structural, functional, and spatial information, amino acid conservation, physicochemical variation, residue mobility, and thermodynamic stability) has been performed for this missense variant. However, the output from this modeling did not meet the statistical confidence thresholds required to predict the impact of this variant on PDE6B protein function. In summary, the available evidence is currently insufficient to determine the role of this variant in disease. Therefore, it has been classified as a Variant of Uncertain Significance.

DBGen Ocular Genomics
Classification: Likely pathogenic for Retinitis pigmentosa 40. Last evaluated: 2023-01-01. Review status: criteria provided, single submitter. Criteria: ACMG Guidelines, 2015. Collection method: clinical testing. Allele origin: unknown. Inheritance: Autosomal recessive inheritance. Affected: yes.
Comment: Class 4 ACMG Guidelines, 2015 (PMID:25741868)

Blueprint Genetics
Classification: Uncertain significance. Last evaluated: 2022-10-27. Review status: criteria provided, single submitter. Criteria: ACMG Guidelines, 2015. Collection method: clinical testing. Allele origin: germline.

Literature cited by the submitters: PubMed 34321860 (cited by Labcorp Genetics (formerly Invitae), Labcorp); PubMed 38219857 (cited by Labcorp Genetics (formerly Invitae), Labcorp).

NM_000283.4(PDE6B):c.1243G>A (p.Glu415Lys)

Gene: PDE6B (phosphodiesterase 6B; plus strand). Cytogenetic location: 4p16.3.
Variant type: single nucleotide variant.
Coding change: c.1243G>A on transcript NM_000283.4 (MANE Select); coding-DNA position 1243, G replaced by A.
Protein change: p.Glu415Lys; replaces glutamic acid 415 with lysine.
Molecular consequence: missense variant.
Genome position (GRCh38, 1-based): chr4:657,009, G>A. VCF-style: chr4-657009-G-A. GRCh37 (hg19) VCF-style: chr4-650798-G-A.
Other names: c.1243G>A, p.Glu415Lys (NM_001145291.2); c.406G>A, p.Glu136Lys (NM_001145292.2, NM_001350154.3, NM_001379246.1 and 1 more transcripts); c.88G>A, p.Glu30Lys (NM_001350155.3); c.1243G>A (NM_000283.3); short protein forms E136K, E415K, E30K.
Identifiers: ClinVar variation 1420900 (VCV001420900.11), dbSNP rs750599200, ClinGen allele CA2794399.